The following is an entry in ClinVar:

ClinVar aggregate classification (germline): Uncertain significance (1 of 4 stars; one submission).

Allele frequency attached by ClinVar (database versions not stated): gnomAD exomes below 0.00001; TOPMed below 0.00001.

Submission:

Ambry Genetics
Classification: Uncertain significance. Last evaluated: 2024-05-24. Review status: criteria provided, single submitter. Criteria: Ambry Variant Classification Scheme 2023. Collection method: clinical testing. Allele origin: germline.
Comment: The p.M326T variant (also known as c.977T>C), located in coding exon 4 of the MNDA gene, results from a T to C substitution at nucleotide position 977. The methionine at codon 326 is replaced by threonine, an amino acid with similar properties. This amino acid position is conserved. In addition, this alteration is predicted to be tolerated by in silico analysis. Since supporting evidence is limited at this time, the clinical significance of this alteration remains unclear.

NM_002432.3(MNDA):c.977T>C (p.Met326Thr)

Gene: MNDA (myeloid cell nuclear differentiation antigen; plus strand). Cytogenetic location: 1q23.1.
Variant type: single nucleotide variant.
Coding change: c.977T>C on transcript NM_002432.3 (MANE Select); coding-DNA position 977, T replaced by C.
Protein change: p.Met326Thr; replaces methionine 326 with threonine.
Molecular consequence: missense variant.
Genome position (GRCh38, 1-based): chr1:158,845,993, T>C. VCF-style: chr1-158845993-T-C. GRCh37 (hg19) VCF-style: chr1-158815783-T-C.
Other names: short protein forms M326T.
Identifiers: ClinVar variation 1768173 (VCV001768173.3), dbSNP rs1188106148, ClinGen allele CA343042596.